The following is an entry in ClinVar:

NM_015378.4(VPS13D):c.8896G>A (p.Asp2966Asn)

Gene: VPS13D (vacuolar protein sorting 13 homolog D; plus strand). Cytogenetic location: 1p36.22.
Variant type: single nucleotide variant.
Coding change: c.8896G>A on transcript NM_015378.4 (MANE Select); coding-DNA position 8896, G replaced by A.
Protein change: p.Asp2966Asn; replaces aspartic acid 2966 with asparagine.
Molecular consequence: missense variant.
Genome position (GRCh38, 1-based): chr1:12,345,384, G>A. VCF-style: chr1-12345384-G-A. GRCh37 (hg19) VCF-style: chr1-12405441-G-A.
Other names: c.8821G>A, p.Asp2941Asn (NM_018156.4); short protein forms D2941N, D2966N.
Identifiers: ClinVar variation 3617698 (VCV003617698.2).

ClinVar aggregate classification (germline): Uncertain significance (1 of 4 stars; one submission).

gnomAD v4.1: 9 of 1,611,560 alleles (0.00056%); highest among the groups gnomAD compares: Non-Finnish European, 0.00076%; no homozygotes.

Submission:

Labcorp Genetics (formerly Invitae), Labcorp
Classification: Uncertain significance. Last evaluated: 2025-06-07. Review status: criteria provided, single submitter. Criteria: Invitae Variant Classification Sherloc (09022015). Collection method: clinical testing. Allele origin: germline.
Comment: This sequence change replaces aspartic acid, which is acidic and polar, with asparagine, which is neutral and polar, at codon 2966 of the VPS13D protein (p.Asp2966Asn). This variant is present in population databases (rs757178377, gnomAD 0.0009%). This variant has not been reported in the literature in individuals affected with VPS13D-related conditions. ClinVar contains an entry for this variant (Variation ID: 3617698). Invitae Evidence Modeling of protein sequence and biophysical properties (such as structural, functional, and spatial information, amino acid conservation, physicochemical variation, residue mobility, and thermodynamic stability) indicates that this missense variant is not expected to disrupt VPS13D protein function with a negative predictive value of 80%. In summary, the available evidence is currently insufficient to determine the role of this variant in disease. Therefore, it has been classified as a Variant of Uncertain Significance.